The following is an entry in ClinVar:

ClinVar aggregate classification (germline): Likely pathogenic (1 of 4 stars; one submission).

Conditions:
Ichthyosis. Also called: Ichthyosis (disease). Identifiers: Orphanet 79354, MedGen C0020757, MONDO:0019269, HP:0008064.

Submission:

Dubai Health Genomic Medicine Center, Dubai Health
Classification: Likely pathogenic for Ichthyosis. Last evaluated: 2024-10-04. Review status: criteria provided, single submitter. Criteria: ACMG Guidelines, 2015. Collection method: research. Allele origin: germline. Affected: yes.
Comment: PVS1,PM2

NM_173076.3(ABCA12):c.2486dup (p.Arg830fs)

Gene: ABCA12 (ATP binding cassette subfamily A member 12; minus strand). Cytogenetic location: 2q35.
Variant type: Duplication.
Coding change: c.2486dup on transcript NM_173076.3 (MANE Select); coding-DNA position 2486, one base duplicated (T; older notation c.2486dupT).
Protein change: p.Arg830fs; shifts the reading frame from arginine 830.
Molecular consequence: frameshift variant. On other transcripts: non-coding transcript variant (1).
Genome position (GRCh38, 1-based): chr2:215,007,833, A duplicated on the plus strand (T on the coding strand, the reverse complement: ABCA12 is on the minus strand). VCF-style (leftmost placement, unchanged base first): chr2-215007832-C-CA. GRCh37 (hg19) VCF-style: chr2-215872556-C-CA.
Other names: c.1532dup, p.Arg512fs (NM_015657.4); short protein forms R512fs, R830fs.
Identifiers: ClinVar variation 3384055 (VCV003384055.1).